The following is an entry in ClinVar:

NM_017433.5(MYO3A):c.3920C>T (p.Thr1307Ile)

Gene: MYO3A (myosin IIIA; plus strand). Cytogenetic location: 10p12.1.
Variant type: single nucleotide variant.
Coding change: c.3920C>T on transcript NM_017433.5 (MANE Select); coding-DNA position 3920, C replaced by T.
Protein change: p.Thr1307Ile; replaces threonine 1307 with isoleucine.
Molecular consequence: missense variant.
Genome position (GRCh38, 1-based): chr10:26,174,184, C>T. VCF-style: chr10-26174184-C-T. GRCh37 (hg19) VCF-style: chr10-26463113-C-T.
Other names: short protein forms T1307I.
Identifiers: ClinVar variation 2194394 (VCV002194394.4), dbSNP rs1020182100, ClinGen allele CA204393670.

ClinVar aggregate classification (germline): Uncertain significance (1 of 4 stars; one submission).

Submission:

Labcorp Genetics (formerly Invitae), Labcorp
Classification: Uncertain significance. Last evaluated: 2022-10-09. Review status: criteria provided, single submitter. Criteria: Invitae Variant Classification Sherloc (09022015). Collection method: clinical testing. Allele origin: germline.
Comment: In summary, the available evidence is currently insufficient to determine the role of this variant in disease. Therefore, it has been classified as a Variant of Uncertain Significance. Advanced modeling of protein sequence and biophysical properties (such as structural, functional, and spatial information, amino acid conservation, physicochemical variation, residue mobility, and thermodynamic stability) performed at Invitae indicates that this missense variant is not expected to disrupt MYO3A protein function. This variant has not been reported in the literature in individuals affected with MYO3A-related conditions. This variant is not present in population databases (gnomAD no frequency). This sequence change replaces threonine, which is neutral and polar, with isoleucine, which is neutral and non-polar, at codon 1307 of the MYO3A protein (p.Thr1307Ile).